The following is an entry in ClinVar:

ClinVar aggregate classification (germline): Likely benign (1 of 4 stars; one submission).

Submission:

GeneDx
Classification: Likely benign. Last evaluated: 2016-12-21. Review status: criteria provided, single submitter. Criteria: GeneDx Variant Classification (06012015). Collection method: clinical testing. Allele origin: germline. Affected: yes.
Comment: This variant is considered likely benign or benign based on one or more of the following criteria: it is a conservative change, it occurs at a poorly conserved position in the protein, it is predicted to be benign by multiple in silico algorithms, and/or has population frequency not consistent with disease.

NM_001999.4(FBN2):c.1078+20G>A

Gene: FBN2 (fibrillin 2; minus strand). Cytogenetic location: 5q23.3.
Variant type: single nucleotide variant.
Coding change: c.1078+20G>A on transcript NM_001999.4 (MANE Select); 20 bases into the intron after coding-DNA position 1078, G replaced by A.
Molecular consequence: intron variant.
Genome position (GRCh38, 1-based): chr5:128,408,654, C>T on the plus strand (G>A on the coding strand, the complement: FBN2 is on the minus strand). VCF-style: chr5-128408654-C-T. GRCh37 (hg19) VCF-style: chr5-127744347-C-T.
Identifiers: ClinVar variation 392006 (VCV000392006.1), dbSNP rs1057524321, ClinGen allele CA16604691.